The following is an entry in ClinVar:

ClinVar aggregate classification (germline): Uncertain significance. Review status: criteria provided, multiple submitters, no conflicts (2 of 4 stars). 2 submissions from 2 submitters: Uncertain significance (2). Last evaluated 2025-12-08.

Conditions:
Cardiovascular phenotype. Identifiers: MedGen CN230736.

Allele frequency attached by ClinVar (database versions not stated): TOPMed 0.00003; gnomAD 0.00002.

Submissions (2):

Labcorp Genetics (formerly Invitae), Labcorp
Classification: Uncertain significance. Last evaluated: 2025-12-08. Review status: criteria provided, single submitter. Criteria: Invitae Variant Classification Sherloc (09022015). Collection method: clinical testing. Allele origin: germline.
Comment: This sequence change replaces arginine, which is basic and polar, with glutamine, which is neutral and polar, at codon 158 of the MFAP5 protein (p.Arg158Gln). This variant is present in population databases (no rsID available, gnomAD 0.003%). This variant has not been reported in the literature in individuals affected with MFAP5-related conditions. ClinVar contains an entry for this variant (Variation ID: 2979299). An algorithm developed to predict the effect of missense changes on protein structure and function (PolyPhen-2) suggests that this variant is likely to be tolerated. In summary, the available evidence is currently insufficient to determine the role of this variant in disease. Therefore, it has been classified as a Variant of Uncertain Significance.

Ambry Genetics
Classification: Uncertain significance for Cardiovascular phenotype. Last evaluated: 2025-09-25. Review status: criteria provided, single submitter. Criteria: Ambry Variant Classification Scheme 2023. Collection method: clinical testing. Allele origin: germline.

NM_003480.4(MFAP5):c.473G>A (p.Arg158Gln)

Genes: MFAP5 (microfibril associated protein 5; minus strand), LOC126861443 (BRD4-independent group 4 enhancer GRCh37_chr12:8800473-8801672; plus strand). Cytogenetic location: 12p13.31.
Variant type: single nucleotide variant.
Coding change: c.473G>A on transcript NM_003480.4 (MANE Select); coding-DNA position 473, G replaced by A.
Protein change: p.Arg158Gln; replaces arginine 158 with glutamine.
Molecular consequence: missense variant. On other transcripts: non-coding transcript variant (2).
Genome position (GRCh38, 1-based): chr12:8,648,140, C>T on the plus strand (G>A on the coding strand, the complement: MFAP5 is on the minus strand). VCF-style: chr12-8648140-C-T. GRCh37 (hg19) VCF-style: chr12-8800736-C-T.
Other names: c.443G>A, p.Arg148Gln (NM_001297709.2); c.407G>A, p.Arg136Gln (NM_001297710.2); c.398G>A, p.Arg133Gln (NM_001297711.2); c.281G>A, p.Arg94Gln (NM_001297712.2); c.473G>A (NM_003480.2); short protein forms R136Q, R133Q, R148Q, R158Q, R94Q.
Identifiers: ClinVar variation 2979299 (VCV002979299.5), dbSNP rs934344533, ClinGen allele CA232305691.
Genomic context (GRCh38, chr12:8,648,140, plus strand): 5'-TTTTTCAATGATCACAGACCATTGGGTCTCTGCAAATCCACATTTTCACAGGGAGGAAGT[C>T]GGAAGTAATTGGAGCGACGGAGTCTCCTAGGGGGCAGACCAGCCATCTGACGGCAAAGCT-3'
Protein context (NP_003471.1, residues 148-168): PRRLRRSNYF[Arg158Gln]LPPCENVDLQ